The following is an entry in ClinVar:

ClinVar aggregate classification (germline): Uncertain significance (0 of 4 stars; one submission).

Conditions:
CNTN5-related disorder. Also called: CNTN5-related condition.

Submission:

PreventionGenetics, part of Exact Sciences
Classification: Uncertain significance for CNTN5-related condition. Last evaluated: 2024-04-11. Review status: no assertion criteria provided. Collection method: clinical testing. Allele origin: germline.
Comment: The CNTN5 c.2534C>T variant is predicted to result in the amino acid substitution p.Thr845Ile. To our knowledge, this variant has not been reported in the literature or in a large population database, indicating this variant is rare. At this time, the clinical significance of this variant is uncertain due to the absence of conclusive functional and genetic evidence.

NM_014361.4(CNTN5):c.2534C>T (p.Thr845Ile)

Gene: CNTN5 (contactin 5; plus strand). Cytogenetic location: 11q22.1.
Variant type: single nucleotide variant.
Coding change: c.2534C>T on transcript NM_014361.4 (MANE Select); coding-DNA position 2534, C replaced by T.
Protein change: p.Thr845Ile; replaces threonine 845 with isoleucine.
Molecular consequence: missense variant.
Genome position (GRCh38, 1-based): chr11:100,299,310, C>T. VCF-style: chr11-100299310-C-T. GRCh37 (hg19) VCF-style: chr11-100170042-C-T.
Other names: c.2534C>T, p.Thr845Ile (NM_001243270.2, NM_001243271.2); c.2312C>T, p.Thr771Ile (NM_175566.2); short protein forms T771I, T845I.
Identifiers: ClinVar variation 3344043 (VCV003344043.1).